The following is an entry in ClinVar:

NM_015512.5(DNAH1):c.2339G>A (p.Arg780Gln)

Gene: DNAH1 (dynein axonemal heavy chain 1; plus strand). Cytogenetic location: 3p21.1.
Variant type: single nucleotide variant.
Coding change: c.2339G>A on transcript NM_015512.5 (MANE Select); coding-DNA position 2339, G replaced by A.
Protein change: p.Arg780Gln; replaces arginine 780 with glutamine.
Molecular consequence: missense variant.
Genome position (GRCh38, 1-based): chr3:52,349,233, G>A. VCF-style: chr3-52349233-G-A. GRCh37 (hg19) VCF-style: chr3-52383249-G-A.
Other names: short protein forms R780Q.
Identifiers: ClinVar variation 1032695 (VCV001032695.6), dbSNP rs763577633, ClinGen allele CA2433233.

ClinVar aggregate classification (germline): Uncertain significance. Review status: criteria provided, multiple submitters, no conflicts (2 of 4 stars). 4 submissions from 3 submitters: Uncertain significance (4). Last evaluated 2025-09-24.

Conditions:
Spermatogenic failure 18. Identifiers: MedGen C4539783, MONDO:0054615, OMIM 617576.
Ciliary dyskinesia, primary, 37 (CILD37). Also called: CILIARY DYSKINESIA, PRIMARY, 37, WITH OR WITHOUT SITUS INVERSUS. Identifiers: MedGen C4539798, MONDO:0033204, OMIM 617577.

Allele frequency attached by ClinVar (database versions not stated): ExAC 0.00003; gnomAD exomes 0.00004; gnomAD 0.00002; TOPMed 0.00008.
gnomAD v4.1: 81 of 1,613,702 alleles (0.005%); highest among the groups gnomAD compares: Non-Finnish European, 0.0066%; no homozygotes.

Submissions (4):

Labcorp Genetics (formerly Invitae), Labcorp
Classification: Uncertain significance for Ciliary dyskinesia, primary, 37; Spermatogenic failure 18. Last evaluated: 2025-09-24. Review status: criteria provided, single submitter. Criteria: Invitae Variant Classification Sherloc (09022015). Collection method: clinical testing. Allele origin: germline.
Comment: This sequence change replaces arginine, which is basic and polar, with glutamine, which is neutral and polar, at codon 780 of the DNAH1 protein (p.Arg780Gln). This variant is present in population databases (rs763577633, gnomAD 0.008%). This variant has not been reported in the literature in individuals affected with DNAH1-related conditions. ClinVar contains an entry for this variant (Variation ID: 1032695). Invitae Evidence Modeling of protein sequence and biophysical properties (such as structural, functional, and spatial information, amino acid conservation, physicochemical variation, residue mobility, and thermodynamic stability) indicates that this missense variant is not expected to disrupt DNAH1 protein function with a negative predictive value of 80%. In summary, the available evidence is currently insufficient to determine the role of this variant in disease. Therefore, it has been classified as a Variant of Uncertain Significance.

Ambry Genetics
Classification: Uncertain significance. Last evaluated: 2025-08-14. Review status: criteria provided, single submitter. Criteria: Ambry Variant Classification Scheme 2023. Collection method: clinical testing. Allele origin: germline.

Baylor Genetics
Classification: Uncertain significance for Ciliary dyskinesia, primary, 37. Last evaluated: 2023-11-15. Review status: criteria provided, single submitter. Criteria: ACMG Guidelines, 2015. Collection method: clinical testing. Allele origin: unknown.

Baylor Genetics
Classification: Uncertain significance for Spermatogenic failure 18. Last evaluated: 2018-03-26. Review status: criteria provided, single submitter. Criteria: ACMG Guidelines, 2015. Collection method: clinical testing. Allele origin: paternal. Affected: yes.
Comment: This variant was determined to be of uncertain significance according to ACMG Guidelines, 2015 [PMID:25741868].